The following is an entry in ClinVar:

ClinVar aggregate classification (germline): Likely pathogenic (1 of 4 stars; one submission).

Conditions:
Lymphatic malformation 6 (LMPHM6). Also called: GENERALIZED LYMPHATIC DYSPLASIA OF FOTIOU; PIEZO1-related generalized lymphatic dysplasia with non-immune hydrops fetalis; Lymphedema, hereditary, III. Identifiers: Orphanet 568062, MedGen C4225184, MONDO:0014797, OMIM 616843.

Submission:

Juno Genomics, Hangzhou Juno Genomics, Inc
Classification: Likely pathogenic for Lymphatic malformation 6. Review status: criteria provided, single submitter. Criteria: ACMG Guidelines, 2015. Collection method: clinical testing. Allele origin: germline.
Comment: Absent from controls (or at extremely low frequency if recessive) in Genome Aggregation Database.;Null variant in a gene where loss of function (LOF) is a known mechanism of disease.

NM_001142864.4(PIEZO1):c.2539_2543dup (p.Arg849fs)

Genes: HSALR1 (HSP90AB1 associated lncRNA 1; plus strand), PIEZO1 (piezo type mechanosensitive ion channel component 1 (Er blood group); minus strand). Cytogenetic location: 16q24.3.
Variant type: Duplication.
Coding change: c.2539_2543dup on transcript NM_001142864.4 (MANE Select); coding-DNA positions 2539 to 2543, 5 bases duplicated (TACCC; older notation c.2539_2543dupTACCC).
Protein change: p.Arg849fs; shifts the reading frame from arginine 849.
Molecular consequence: frameshift variant.
Genome position (GRCh38, 1-based): chr16:88,733,399-88,733,403, GGGTA duplicated on the plus strand (TACCC on the coding strand, the reverse complement: PIEZO1 is on the minus strand); duplicating any 5 consecutive bases within chr16:88,733,399-88,733,406 gives the same sequence; the c. name uses the placement nearest the transcript's 3' end. VCF-style (leftmost placement, unchanged base first): chr16-88733398-T-TGGGTA. GRCh37 (hg19) VCF-style: chr16-88799806-T-TGGGTA.
Other names: short protein forms R849fs.
Identifiers: ClinVar variation 5018933 (VCV005018933.2).